The following is an entry in ClinVar:

NM_001145358.2(SIN3A):c.3425A>G (p.Gln1142Arg)

Gene: SIN3A (SIN3 transcription regulator family member A; minus strand). Cytogenetic location: 15q24.2.
Variant type: single nucleotide variant.
Coding change: c.3425A>G on transcript NM_001145358.2 (MANE Select); coding-DNA position 3425, A replaced by G.
Protein change: p.Gln1142Arg; replaces glutamine 1142 with arginine.
Molecular consequence: missense variant.
Genome position (GRCh38, 1-based): chr15:75,375,831, T>C on the plus strand (A>G on the coding strand, the complement: SIN3A is on the minus strand). VCF-style: chr15-75375831-T-C. GRCh37 (hg19) VCF-style: chr15-75668172-T-C.
Other names: c.3425A>G, p.Gln1142Arg (NM_001145357.2, NM_015477.3); short protein forms Q1142R.
Identifiers: ClinVar variation 1691552 (VCV001691552.3), dbSNP rs2141368909, ClinGen allele CA393486019.
Genomic context (GRCh38, chr15:75,375,831, plus strand): 5'-AGACTATCCACATTCTCCATGGTCTTCTTGCTGTTTCCTTCCTTCCCTTCCTTTTCCTGC[T>C]GCTCTCGACCACGTTGACACTTCCGGATCCGCCGTAGATTCCTATTGCAGAAAAGCCCCG-3'
Protein context (NP_001138830.1, residues 1132-1152): RIRKCQRGRE[Gln1142Arg]QEKEGKEGNS

ClinVar aggregate classification (germline): Uncertain significance (1 of 4 stars; one submission).

Allele frequency attached by ClinVar (database versions not stated): gnomAD exomes below 0.00001.
gnomAD v4.1: 2 of 1,614,216 alleles (0.00012%); highest among the groups gnomAD compares: Non-Finnish European, 0.00017%; no homozygotes.

Submission:

Centre of Medical Genetics, University Hospital Muenster
Classification: Uncertain significance. Last evaluated: 2022-05-04. Review status: criteria provided, single submitter. Criteria: ACMG Guidelines, 2015. Collection method: clinical testing. Allele origin: unknown. Affected: yes. Observed: 1 variant allele, 1 heterozygote.
Comment: ACMG categories: PM1,PM2